The following is an entry in ClinVar:

NM_000234.3(LIG1):c.2611C>T (p.Arg871Cys)

Gene: LIG1 (DNA ligase 1; minus strand). Cytogenetic location: 19q13.33.
Variant type: single nucleotide variant.
Coding change: c.2611C>T on transcript NM_000234.3 (MANE Select); coding-DNA position 2611, C replaced by T.
Protein change: p.Arg871Cys; replaces arginine 871 with cysteine.
Molecular consequence: missense variant. On other transcripts: non-coding transcript variant (6).
Genome position (GRCh38, 1-based): chr19:48,115,938, G>A on the plus strand (C>T on the coding strand, the complement: LIG1 is on the minus strand). VCF-style: chr19-48115938-G-A. GRCh37 (hg19) VCF-style: chr19-48619195-G-A.
Other names: c.2518C>T, p.Arg840Cys (NM_001289063.2); c.2407C>T, p.Arg803Cys (NM_001289064.2); c.2608C>T, p.Arg870Cys (NM_001320970.2); c.2521C>T, p.Arg841Cys (NM_001320971.2); short protein forms R803C, R870C, R871C, R840C, R841C.
Identifiers: ClinVar variation 1510943 (VCV001510943.4), dbSNP rs1307882750, ClinGen allele CA406641670.

ClinVar aggregate classification (germline): Uncertain significance (1 of 4 stars; one submission).

Allele frequency attached by ClinVar (database versions not stated): gnomAD exomes below 0.00001 and 0.00001; gnomAD 0.00001; TOPMed 0.00001.
gnomAD v4.1: 12 of 1,613,798 alleles (0.00074%); highest among the groups gnomAD compares: East Asian, 0.0022%; no homozygotes.

Submission:

Labcorp Genetics (formerly Invitae), Labcorp
Classification: Uncertain significance. Last evaluated: 2022-03-02. Review status: criteria provided, single submitter. Criteria: Invitae Variant Classification Sherloc (09022015). Collection method: clinical testing. Allele origin: germline.
Comment: In summary, the available evidence is currently insufficient to determine the role of this variant in disease. Therefore, it has been classified as a Variant of Uncertain Significance. Algorithms developed to predict the effect of missense changes on protein structure and function (SIFT, PolyPhen-2, Align-GVGD) all suggest that this variant is likely to be disruptive. This variant has not been reported in the literature in individuals affected with LIG1-related conditions. This variant is present in population databases (no rsID available, gnomAD 0.003%). This sequence change replaces arginine, which is basic and polar, with cysteine, which is neutral and slightly polar, at codon 871 of the LIG1 protein (p.Arg871Cys).